The following is an entry in ClinVar:

NC_000001.10:g.(?_3102669)_(3301870_?)dup

Gene: PRDM16 (PR/SET domain 16; plus strand). Cytogenetic location: 1p36.32.
Variant type: Duplication.
Identifiers: ClinVar variation 1444947 (VCV001444947.4).

ClinVar aggregate classification (germline): Uncertain significance (1 of 4 stars; one submission).

Conditions:
Left ventricular noncompaction 8 (LVNC8). Identifiers: Orphanet 154, Orphanet 54260, MedGen C3809288, MONDO:0014152, OMIM 615373.

Submission:

Labcorp Genetics (formerly Invitae), Labcorp
Classification: Uncertain significance for Left ventricular noncompaction 8. Last evaluated: 2021-07-26. Review status: criteria provided, single submitter. Criteria: Invitae Variant Classification Sherloc (09022015). Collection method: clinical testing. Allele origin: germline.
Comment: In summary, the available evidence is currently insufficient to determine the role of this variant in disease. Therefore, it has been classified as a Variant of Uncertain Significance. This variant has not been reported in the literature in individuals affected with PRDM16-related conditions. This variant results in a copy number gain of the genomic region encompassing exon(s) 2-4 of the PRDM16 gene. While the exact position of this variant cannot be determined from the data, sub-genic copy number gains are generally in tandem (PMID: 25640679). This variant is predicted to be out-of-frame, and may result in an absent or disrupted protein product. However, the current clinical and genetic evidence is not sufficient to establish whether loss-of-function variants in PRDM16 cause disease.

Literature cited by the submitters: PubMed 25640679.